The following is an entry in ClinVar:

ClinVar aggregate classification (germline): Uncertain significance. Review status: criteria provided, multiple submitters, no conflicts (2 of 4 stars). 2 submissions from 2 submitters: Uncertain significance (2). Last evaluated 2025-12-23.

Submissions (2):

Labcorp Genetics (formerly Invitae), Labcorp
Classification: Uncertain significance. Last evaluated: 2025-12-23. Review status: criteria provided, single submitter. Criteria: Invitae Variant Classification Sherloc (09022015). Collection method: clinical testing. Allele origin: germline.
Comment: This sequence change replaces arginine, which is basic and polar, with tryptophan, which is neutral and slightly polar, at codon 382 of the KRT71 protein (p.Arg382Trp). This variant is present in population databases (rs191057730, gnomAD 0.09%), and has an allele count higher than expected for a pathogenic variant. This variant has not been reported in the literature in individuals affected with KRT71-related conditions. ClinVar contains an entry for this variant (Variation ID: 3536137). Invitae Evidence Modeling of protein sequence and biophysical properties (such as structural, functional, and spatial information, amino acid conservation, physicochemical variation, residue mobility, and thermodynamic stability) has been performed for this missense variant. However, the output from this modeling did not meet the statistical confidence thresholds required to predict the impact of this variant on KRT71 protein function. In summary, the available evidence is currently insufficient to determine the role of this variant in disease. Therefore, it has been classified as a Variant of Uncertain Significance.

Ambry Genetics
Classification: Uncertain significance. Last evaluated: 2024-08-05. Review status: criteria provided, single submitter. Criteria: Ambry Variant Classification Scheme 2023. Collection method: clinical testing. Allele origin: germline.

NM_033448.3(KRT71):c.1144C>T (p.Arg382Trp)

Gene: KRT71 (keratin 71; minus strand). Cytogenetic location: 12q13.13.
Variant type: single nucleotide variant.
Coding change: c.1144C>T on transcript NM_033448.3 (MANE Select); coding-DNA position 1144, C replaced by T.
Protein change: p.Arg382Trp; replaces arginine 382 with tryptophan.
Molecular consequence: missense variant.
Genome position (GRCh38, 1-based): chr12:52,546,467, G>A on the plus strand (C>T on the coding strand, the complement: KRT71 is on the minus strand). VCF-style: chr12-52546467-G-A. GRCh37 (hg19) VCF-style: chr12-52940251-G-A.
Other names: short protein forms R382W.
Identifiers: ClinVar variation 3536137 (VCV003536137.3).
Genomic context (GRCh38, chr12:52,546,467, plus strand): 5'-GCAGGGCGCCCTCCAGCTCGTCCAGCTTGGCCCGGGCATCCTTCAGGGCGTTGTCTCCCC[G>A]CTGCTCAGCATCAGCGATGGCTGTCTCCAGGTTGGAAGCCTAAGGAAGGAATTGGTGAAG-3'
Protein context (NP_258259.1, residues 372-392): LETAIADAEQ[Arg382Trp]GDNALKDARA